The following is an entry in ClinVar:

NM_000052.7(ATP7A):c.1874T>G (p.Leu625Ter)

Gene: ATP7A (ATPase copper transporting alpha; plus strand). Cytogenetic location: Xq21.1.
Variant type: single nucleotide variant.
Coding change: c.1874T>G on transcript NM_000052.7 (MANE Select); coding-DNA position 1874, T replaced by G.
Protein change: p.Leu625Ter; replaces leucine 625 with a stop codon.
Molecular consequence: nonsense.
Genome position (GRCh38, 1-based): chrX:78,011,180, T>G. VCF-style: chrX-78011180-T-G. GRCh37 (hg19) VCF-style: chrX-77266677-T-G.
Other names: c.1874T>G, p.Leu625Ter (NM_001282224.2); c.1874T>G (NM_000052.6); short protein forms L625*.
Identifiers: ClinVar variation 210402 (VCV000210402.12), dbSNP rs797045339, ClinGen allele CA277093.

ClinVar aggregate classification (germline): Pathogenic/Likely pathogenic. Review status: criteria provided, multiple submitters, no conflicts (2 of 4 stars). 4 submissions from 4 submitters: Pathogenic (2); Likely pathogenic (1). 1 of the submissions does not count toward it. Last evaluated 2024-03-25.

Conditions:
Menkes kinky-hair syndrome (MNK). Also called: Menkes Disease; Copper transport disease; Classic Menkes Disease. Identifiers: Orphanet 565, MedGen C0022716, MONDO:0010651, OMIM 309400.
Cutis laxa, X-linked (OHS). Also called: EDS IX; Occipital horn syndrome. Identifiers: Orphanet 198, MedGen C0268353, MONDO:0010572, OMIM 304150.
X-linked distal spinal muscular atrophy type 3. Also called: SPINAL MUSCULAR ATROPHY, DISTAL, X-LINKED RECESSIVE; NEURONOPATHY, DISTAL HEREDITARY MOTOR, X-LINKED; NEUROPATHY, DISTAL HEREDITARY MOTOR, X-LINKED; ATP7A-Related Distal Motor Neuropathy. Identifiers: Orphanet 139557, MedGen C1845359, MONDO:0010338, OMIM 300489.

Submissions (4):

Natera, Inc.
Classification: Likely pathogenic for Menkes kinky hair syndrome. Last evaluated: 2024-03-25. Review status: criteria provided, single submitter. Criteria: Natera Variant Classification Schema (03/2026). Collection method: clinical testing. Allele origin: germline.
Comment: The c.1874T>G variant in ATP7A is a nonsense variant predicted to introduce a stop codon at amino acid 625. This variant is expected to result in nonsense mediated decay, truncation, or a dysfunctional protein product. This variant is rare in the general population with a frequency below the threshold expected for the associated phenotype(s). Given the available evidence, this variant is classified as Likely Pathogenic.

Labcorp Genetics (formerly Invitae), Labcorp
Classification: Pathogenic for X-linked distal spinal muscular atrophy type 3; Cutis laxa, X-linked; Menkes kinky-hair syndrome. Last evaluated: 2022-09-09. Review status: criteria provided, single submitter. Criteria: Invitae Variant Classification Sherloc (09022015). Collection method: clinical testing. Allele origin: germline.
Comment: This sequence change creates a premature translational stop signal (p.Leu625*) in the ATP7A gene. It is expected to result in an absent or disrupted protein product. Loss-of-function variants in ATP7A are known to be pathogenic (PMID: 11241493, 20652413). This variant is not present in population databases (gnomAD no frequency). This premature translational stop signal has been observed in individual(s) with Menkes disease (PMID: 20652413). ClinVar contains an entry for this variant (Variation ID: 210402). For these reasons, this variant has been classified as Pathogenic.

Genetic Services Laboratory, University of Chicago
Classification: Pathogenic for Menkes disease. Last evaluated: 2013-02-08. Review status: criteria provided, single submitter. Criteria: ACMG Guidelines, 2007. Collection method: clinical testing. Allele origin: germline. Affected: yes.

Inherited Neuropathy Consortium Ii, University Of Miami
Classification: Uncertain significance for Menkes kinky-hair syndrome. Last evaluated: 2016-01-06. Review status: no assertion criteria provided. Collection method: literature only. Allele origin: germline. Affected: yes. Not counted in ClinVar's aggregate classification.

Literature cited by the submitters: PubMed 11241493 (cited by Labcorp Genetics (formerly Invitae), Labcorp); PubMed 20652413 (cited by Labcorp Genetics (formerly Invitae), Labcorp); PubMed 20932283 (cited by Inherited Neuropathy Consortium Ii, University Of Miami).